The following is an entry in ClinVar:

NM_013382.7(POMT2):c.1774C>T (p.Leu592Phe)

Gene: POMT2 (protein O-mannosyltransferase 2; minus strand). Cytogenetic location: 14q24.3.
Variant type: single nucleotide variant.
Coding change: c.1774C>T on transcript NM_013382.7 (MANE Select); coding-DNA position 1774, C replaced by T.
Protein change: p.Leu592Phe; replaces leucine 592 with phenylalanine.
Molecular consequence: missense variant.
Genome position (GRCh38, 1-based): chr14:77,280,032, G>A on the plus strand (C>T on the coding strand, the complement: POMT2 is on the minus strand). VCF-style: chr14-77280032-G-A. GRCh37 (hg19) VCF-style: chr14-77746375-G-A.
Other names: short protein forms L592F.
Identifiers: ClinVar variation 1964818 (VCV001964818.2), dbSNP rs767562604, ClinGen allele CA7285718.

ClinVar aggregate classification (germline): Uncertain significance (1 of 4 stars; one submission).

Conditions:
Muscular dystrophy-dystroglycanopathy (congenital with impaired intellectual development), type B, 2. Also called: MUSCULAR DYSTROPHY, CONGENITAL, POMT2-RELATED; Muscular dystrophy-dystroglycanopathy (congenital with intellectual disability), type B2. Identifiers: MedGen C3150416, MONDO:0013160, OMIM 613156.
Muscular dystrophy-dystroglycanopathy (congenital with brain and eye anomalies), type A2. Also called: MUSCULAR DYSTROPHY-DYSTROGLYCANOPATHY (CONGENITAL WITH BRAIN AND EYE ANOMALIES), TYPE A, 2; WALKER-WARBURG SYNDROME OR MUSCLE-EYE-BRAIN DISEASE, POMT2-RELATED. Identifiers: Orphanet 588, Orphanet 899, MedGen C3150411, MONDO:0013154, OMIM 613150.
Autosomal recessive limb-girdle muscular dystrophy type 2N. Also called: MUSCULAR DYSTROPHY-DYSTROGLYCANOPATHY, LIMB-GIRDLE, POMT2-RELATED; Muscular dystrophy-dystroglycanopathy (limb-girdle), type C, 2. Identifiers: Orphanet 206559, MedGen C3150418, MONDO:0013162, OMIM 613158.

Allele frequency attached by ClinVar (database versions not stated): TOPMed 0.00001; gnomAD exomes below 0.00001; ExAC 0.00001.
gnomAD v4.1: 2 of 1,614,020 alleles (0.00012%); highest among the groups gnomAD compares: Admixed American, 0.0017%; no homozygotes.

Submission:

Labcorp Genetics (formerly Invitae), Labcorp
Classification: Uncertain significance for Muscular dystrophy-dystroglycanopathy (congenital with impaired intellectual development), type B, 2; Muscular dystrophy-dystroglycanopathy (congenital with brain and eye anomalies), type A2; Autosomal recessive limb-girdle muscular dystrophy type 2N. Last evaluated: 2022-05-16. Review status: criteria provided, single submitter. Criteria: Invitae Variant Classification Sherloc (09022015). Collection method: clinical testing. Allele origin: germline.
Comment: This sequence change replaces leucine, which is neutral and non-polar, with phenylalanine, which is neutral and non-polar, at codon 592 of the POMT2 protein (p.Leu592Phe). This variant is present in population databases (rs767562604, gnomAD 0.003%). This variant has not been reported in the literature in individuals affected with POMT2-related conditions. Algorithms developed to predict the effect of missense changes on protein structure and function are either unavailable or do not agree on the potential impact of this missense change (SIFT: "Deleterious"; PolyPhen-2: "Probably Damaging"; Align-GVGD: "Class C0"). In summary, the available evidence is currently insufficient to determine the role of this variant in disease. Therefore, it has been classified as a Variant of Uncertain Significance.